The following is an entry in ClinVar:

ClinVar aggregate classification (germline): Likely pathogenic (1 of 4 stars; one submission).

Conditions:
Primary hyperoxaluria, type II (HP2). Also called: OXALOSIS II; Primary hyperoxaluria type 2; D-GLYCERATE DEHYDROGENASE DEFICIENCY; GLYCERIC ACIDURIA; GLYOXYLATE REDUCTASE/HYDROXYPYRUVATE REDUCTASE DEFICIENCY. Identifiers: Orphanet 416, Orphanet 93599, MedGen C0268165, MONDO:0009824, OMIM 260000. Disease mechanism: loss of function.

Allele frequency attached by ClinVar (database versions not stated): gnomAD exomes 0.00001; TOPMed 0.00001.
gnomAD v4.1: 19 of 1,601,260 alleles (0.0012%); highest among the groups gnomAD compares: East Asian, 0.0022%; no homozygotes.

Submission:

Clinical Biochemistry Laboratory, Health Services Laboratory
Classification: Likely pathogenic for Primary hyperoxaluria, type II. Last evaluated: 2023-10-27. Review status: criteria provided, single submitter. Criteria: ACMG Guidelines, 2015. Collection method: curation. Allele origin: germline. Affected: yes.
Comment: ACMG:PM1 PM2 PM5 PP3

Literature cited by the submitters: PubMed 30889567; PubMed 31078535.

NM_012203.2(GRHPR):c.287G>A (p.Arg96His)

Gene: GRHPR (glyoxylate and hydroxypyruvate reductase; plus strand). Cytogenetic location: 9p13.2.
Variant type: single nucleotide variant.
Coding change: c.287G>A on transcript NM_012203.2 (MANE Select); coding-DNA position 287, G replaced by A.
Protein change: p.Arg96His; replaces arginine 96 with histidine.
Molecular consequence: missense variant.
Genome position (GRCh38, 1-based): chr9:37,425,994, G>A. VCF-style: chr9-37425994-G-A. GRCh37 (hg19) VCF-style: chr9-37425991-G-A.
Other names: short protein forms R96H.
Identifiers: ClinVar variation 2664428 (VCV002664428.1), dbSNP rs796052078, ClinGen allele CA192887859.